The following is an entry in ClinVar:

ClinVar aggregate classification (germline): Pathogenic (1 of 4 stars; one submission).

Conditions:
Bloom syndrome (BLM). Also called: Bloom-Torre-Machacek syndrome. Identifiers: Orphanet 125, MedGen C0005859, MONDO:0008876, OMIM 210900.

Submission:

Labcorp Genetics (formerly Invitae), Labcorp
Classification: Pathogenic for Bloom syndrome. Last evaluated: 2019-12-22. Review status: criteria provided, single submitter. Criteria: Invitae Variant Classification Sherloc (09022015). Collection method: clinical testing. Allele origin: germline.
Comment: This variant is not present in population databases (ExAC no frequency). For these reasons, this variant has been classified as Pathogenic. Loss-of-function variants in BLM are known to be pathogenic (PMID: 17407155). This variant has not been reported in the literature in individuals with BLM-related conditions. This sequence change creates a premature translational stop signal (p.Tyr1029*) in the BLM gene. It is expected to result in an absent or disrupted protein product.

Literature cited by the submitters: PubMed 17407155.

NM_000057.4(BLM):c.3087C>G (p.Tyr1029Ter)

Gene: BLM (BLM RecQ like helicase; plus strand). Cytogenetic location: 15q26.1.
Variant type: single nucleotide variant.
Coding change: c.3087C>G on transcript NM_000057.4 (MANE Select); coding-DNA position 3087, C replaced by G.
Protein change: p.Tyr1029Ter; replaces tyrosine 1029 with a stop codon.
Molecular consequence: nonsense.
Genome position (GRCh38, 1-based): chr15:90,794,234, C>G. VCF-style: chr15-90794234-C-G. GRCh37 (hg19) VCF-style: chr15-91337464-C-G.
Other names: c.3087C>G, p.Tyr1029Ter (NM_001287246.2, NM_001287247.2); c.1962C>G, p.Tyr654Ter (NM_001287248.2); short protein forms Y1029*, Y654*.
Identifiers: ClinVar variation 846968 (VCV000846968.9), dbSNP rs1896974524, ClinGen allele CA393846803.